The following is an entry in ClinVar:

NM_000070.3(CAPN3):c.1746-7C>G

Gene: CAPN3 (calpain 3; plus strand). Cytogenetic location: 15q15.1.
Variant type: single nucleotide variant.
Coding change: c.1746-7C>G on transcript NM_000070.3 (MANE Select); 7 bases into the intron before coding-DNA position 1746, C replaced by G.
Molecular consequence: intron variant.
Genome position (GRCh38, 1-based): chr15:42,403,734, C>G. VCF-style: chr15-42403734-C-G. GRCh37 (hg19) VCF-style: chr15-42695932-C-G.
Other names: c.1746-7C>G (NM_024344.2); c.1602-7C>G (NM_173087.2); c.210-7C>G (NM_173088.2).
Identifiers: ClinVar variation 283678 (VCV000283678.66), dbSNP rs199978708, ClinGen allele CA7511492.

ClinVar aggregate classification (germline): Conflicting classifications of pathogenicity. Review status: criteria provided, conflicting classifications (1 of 4 stars). 7 submissions from 7 submitters: Uncertain significance (2); Likely benign (4). 1 of the submissions does not count toward it. Last evaluated 2026-01-28.

Conditions:
Autosomal recessive limb-girdle muscular dystrophy type 2A (LGMDR1). Also called: Muscular dystrophy, limb-girdle, type 2A, Amish; LEYDEN-MOEBIUS MUSCULAR DYSTROPHY; MUSCULAR DYSTROPHY, PELVOFEMORAL; Limb-girdle muscular dystrophy, type 2A; Calpainopathy. Identifiers: Orphanet 267, MedGen C1869123, MONDO:0009675, OMIM 253600. Disease mechanism: loss of function.

Allele frequency attached by ClinVar (database versions not stated): gnomAD exomes 0.00037 and 0.00076; ExAC 0.00039; TOPMed 0.00044; ESP Exome Variant Server 0.00046; gnomAD 0.00048 and 0.00051.
gnomAD v4.1: 1,161 of 1,613,572 alleles (0.072%); highest among the groups gnomAD compares: Non-Finnish European, 0.092%; 2 homozygotes.

Submissions (9):

Labcorp Genetics (formerly Invitae), Labcorp
Classification: Likely benign for Autosomal recessive limb-girdle muscular dystrophy type 2A. Last evaluated: 2026-01-28. Review status: criteria provided, single submitter. Criteria: Invitae Variant Classification Sherloc (09022015). Collection method: clinical testing. Allele origin: germline.

Revvity Omics, Revvity
Classification: Uncertain significance. Last evaluated: 2025-07-31. Review status: criteria provided, single submitter. Criteria: ACMG Guidelines, 2015. Collection method: clinical testing. Allele origin: germline.

CeGaT Center for Human Genetics Tuebingen
Classification: Likely benign. Last evaluated: 2025-07-01. Review status: criteria provided, single submitter. Criteria: CeGaT Center For Human Genetics Tuebingen Variant Classification Criteria Version 2. Collection method: clinical testing. Allele origin: germline. Affected: yes. Observed: 3 variant alleles.
Comment: CAPN3: BP4

Blueprint Genetics
Classification: Likely benign. Last evaluated: 2024-10-31. Review status: criteria provided, single submitter. Criteria: ACMG Guidelines, 2015. Collection method: clinical testing. Allele origin: germline.

GeneDx
Classification: Likely benign. Last evaluated: 2018-12-07. Review status: criteria provided, single submitter. Criteria: GeneDx Variant Classification Process June 2021. Collection method: clinical testing. Allele origin: germline. Affected: yes.

Eurofins Ntd Llc (ga)
Classification: Uncertain significance. Last evaluated: 2017-02-28. Review status: criteria provided, single submitter. Criteria: EGL Classification Definitions 2015. Collection method: clinical testing. Allele origin: germline. Observed: 8 variant alleles, 8 heterozygotes.

Natera, Inc.
Classification: Uncertain significance for Limb-girdle muscular dystrophy type 2A. Last evaluated: 2020-04-17. Review status: no assertion criteria provided. Collection method: clinical testing. Allele origin: germline. Not counted in ClinVar's aggregate classification.

Dr. Peter K. Rogan Lab, Western University
No classification provided (evidence only). Condition: Familial cancer of breast. Review status: no classification provided. Collection method: in vitro. Allele origin: not applicable. Functional consequence: retained intron. Not counted in ClinVar's aggregate classification.

Dr. Peter K. Rogan Lab, Western University
No classification provided (evidence only). Condition: Lymphoma. Review status: no classification provided. Collection method: in vitro. Allele origin: not applicable. Functional consequence: skipped exon, retained intron. Not counted in ClinVar's aggregate classification.